The following is an entry in ClinVar:

NM_030962.4(SBF2):c.3866G>T (p.Arg1289Leu)

Gene: SBF2 (SET binding factor 2; minus strand). Cytogenetic location: 11p15.4.
Variant type: single nucleotide variant.
Coding change: c.3866G>T on transcript NM_030962.4 (MANE Select); coding-DNA position 3866, G replaced by T.
Protein change: p.Arg1289Leu; replaces arginine 1289 with leucine.
Molecular consequence: missense variant.
Genome position (GRCh38, 1-based): chr11:9,816,952, C>A on the plus strand (G>T on the coding strand, the complement: SBF2 is on the minus strand). VCF-style: chr11-9816952-C-A. GRCh37 (hg19) VCF-style: chr11-9838499-C-A.
Other names: c.3737G>T, p.Arg1246Leu (NM_001386342.1); c.3962G>T, p.Arg1321Leu (NM_001386339.1); short protein forms R1289L, R1321L, R1246L.
Identifiers: ClinVar variation 1433699 (VCV001433699.6), dbSNP rs757836523, ClinGen allele CA217624525.
Genomic context (GRCh38, chr11:9,816,952, plus strand): 5'-AGCTGGTTTTGTAGGTAGCTGCTGTTACTGAAGGAGGCCGAGTGATCCTTGCCTGCCAGC[C>A]GGGCGCCAACATCAATGAAGGATGTTGGAGAGCTGATCAAGCGAGTGCTAGAGCGAAGAC-3'
Protein context (NP_112224.1, residues 1279-1299): SPTSFIDVGA[Arg1289Leu]LAGKDHSASF

ClinVar aggregate classification (germline): Uncertain significance (1 of 4 stars; one submission).

Conditions:
Charcot-Marie-Tooth disease type 4. Also called: Charcot-Marie-Tooth, Type 4; Charcot-Marie-Tooth disease, type IV. Identifiers: Orphanet 64749, MedGen C4082197, MONDO:0018995.

gnomAD v4.1: 11 of 1,614,002 alleles (0.00068%); highest among the groups gnomAD compares: African/African-American, 0.013%; no homozygotes.

Submission:

Labcorp Genetics (formerly Invitae), Labcorp
Classification: Uncertain significance for Charcot-Marie-Tooth disease type 4. Last evaluated: 2021-08-14. Review status: criteria provided, single submitter. Criteria: Invitae Variant Classification Sherloc (09022015). Collection method: clinical testing. Allele origin: germline.
Comment: This sequence change replaces arginine with leucine at codon 1289 of the SBF2 protein (p.Arg1289Leu). The arginine residue is moderately conserved and there is a moderate physicochemical difference between arginine and leucine. This variant is not present in population databases (ExAC no frequency). This variant has not been reported in the literature in individuals affected with SBF2-related conditions. Algorithms developed to predict the effect of missense changes on protein structure and function are either unavailable or do not agree on the potential impact of this missense change (SIFT: "Deleterious"; PolyPhen-2: "Benign"; Align-GVGD: "Class C0"). In summary, the available evidence is currently insufficient to determine the role of this variant in disease. Therefore, it has been classified as a Variant of Uncertain Significance.